The following is an entry in ClinVar:

ClinVar aggregate classification (germline): Conflicting classifications of pathogenicity. Review status: criteria provided, conflicting classifications (1 of 4 stars). 2 submissions from 2 submitters: Likely pathogenic (1); Uncertain significance (1). Last evaluated 2023-04-27.

Conditions:
Familial hypocalciuric hypercalcemia (FHH). Also called: Familial benign hypercalcemia. Identifiers: Orphanet 405, MedGen C1809471, MONDO:0018458.
Autosomal dominant hypocalcemia 1 (HYPOC1). Also called: HYPOCALCEMIA, FAMILIAL. Identifiers: MedGen C3715128, MONDO:0011013, OMIM 601198.

Submissions (2):

Labcorp Genetics (formerly Invitae), Labcorp
Classification: Uncertain significance for Familial hypocalciuric hypercalcemia; Autosomal dominant hypocalcemia 1. Last evaluated: 2023-04-27. Review status: criteria provided, single submitter. Criteria: Invitae Variant Classification Sherloc (09022015). Collection method: clinical testing. Allele origin: germline.
Comment: This sequence change creates a premature translational stop signal (p.Arg896Alafs*43) in the CASR gene. While this is not anticipated to result in nonsense mediated decay, it is expected to disrupt the last 183 amino acid(s) of the CASR protein. In summary, the available evidence is currently insufficient to determine the role of this variant in disease. Therefore, it has been classified as a Variant of Uncertain Significance. ClinVar contains an entry for this variant (Variation ID: 35794). This variant has not been reported in the literature in individuals affected with CASR-related conditions. This variant is not present in population databases (gnomAD no frequency).

Women's Health and Genetics/Laboratory Corporation of America, LabCorp
Classification: Likely pathogenic for Familial hypocalciuric hypercalcemia. Last evaluated: 2021-09-22. Review status: criteria provided, single submitter. Criteria: LabCorp Variant Classification Summary - May 2015. Collection method: clinical testing. Allele origin: germline.
Comment: Variant summary: CASR c.2686delC (p.Arg896AlafsX43) located in the last exon 7 of the CASR gene, results in a premature termination codon, predicted to cause a truncation of the encoded protein or absence of the protein due to nonsense mediated decay, which are commonly known mechanisms for disease. Truncations downstream of this position have not been classified as pathogenic by our laboratory but have been observed in patients with Familial hypocalciuric hypercalcaemia (example, c.3193delA) and in patients with Hypocalcemia (example, c.2703_2710delCCTTGGAG) in the HGMD database. The variant was absent in 250832 control chromosomes. To our knowledge, no occurrence of c.2686delC in individuals affected with Familial Hypocalciuric Hypercalcemia/Autosomal Dominant Hypocalcemia and no experimental evidence demonstrating its impact on protein function have been reported. No clinical diagnostic laboratories have submitted clinical-significance assessments for this variant to ClinVar after 2014. Based on the evidence outlined above, the variant was classified as likely pathogenic.

NM_000388.4(CASR):c.2686del (p.Arg896fs)

Gene: CASR (calcium sensing receptor; plus strand). Cytogenetic location: 3q21.1.
Variant type: Deletion.
Coding change: c.2686del on transcript NM_000388.4 (MANE Select); coding-DNA position 2686, one base deleted (C; older notation c.2686delC).
Protein change: p.Arg896fs; shifts the reading frame from arginine 896.
Molecular consequence: frameshift variant.
Genome position (GRCh38, 1-based): chr3:122,284,640, C deleted; the last of 3 consecutive C bases (chr3:122,284,638-122,284,640); deleting any one gives the same sequence. VCF-style (leftmost placement, unchanged base first): chr3-122284637-TC-T. GRCh37 (hg19) VCF-style: chr3-122003484-TC-T.
Other names: c.2716del, p.Arg906fs (NM_001178065.2); short protein forms R896fs, R906fs.
Identifiers: ClinVar variation 35794 (VCV000035794.9), dbSNP rs193922438, ClinGen allele CA213592.